The following is an entry in ClinVar:

NM_000260.4(MYO7A):c.4323+1G>A

Gene: MYO7A (myosin VIIA; plus strand). Cytogenetic location: 11q13.5.
Variant type: single nucleotide variant.
Coding change: c.4323+1G>A on transcript NM_000260.4 (MANE Select); the canonical splice donor site of the intron after coding-DNA position 4323, G replaced by A.
Molecular consequence: splice donor variant.
Genome position (GRCh38, 1-based): chr11:77,194,525, G>A. VCF-style: chr11-77194525-G-A. GRCh37 (hg19) VCF-style: chr11-76905570-G-A.
Other names: c.4290+1G>A (NM_001369365.1); c.4323+1G>A (NM_001127180.2).
Identifiers: ClinVar variation 2855737 (VCV002855737.3), dbSNP rs1956497065, ClinGen allele CA381949469.

ClinVar aggregate classification (germline): Likely pathogenic (1 of 4 stars; one submission).

Allele frequency attached by ClinVar (database versions not stated): gnomAD exomes below 0.00001; gnomAD 0.00001.

Submission:

Labcorp Genetics (formerly Invitae), Labcorp
Classification: Likely pathogenic. Last evaluated: 2024-11-10. Review status: criteria provided, single submitter. Criteria: Invitae Variant Classification Sherloc (09022015). Collection method: clinical testing. Allele origin: germline.
Comment: This sequence change affects a donor splice site in intron 32 of the MYO7A gene. It is expected to disrupt RNA splicing. Variants that disrupt the donor or acceptor splice site typically lead to a loss of protein function (PMID: 16199547), and loss-of-function variants in MYO7A are known to be pathogenic (PMID: 8900236, 25404053). This variant is not present in population databases (gnomAD no frequency). This variant has not been reported in the literature in individuals affected with MYO7A-related conditions. ClinVar contains an entry for this variant (Variation ID: 2855737). Algorithms developed to predict the effect of sequence changes on RNA splicing suggest that this variant may disrupt the consensus splice site. In summary, the currently available evidence indicates that the variant is pathogenic, but additional data are needed to prove that conclusively. Therefore, this variant has been classified as Likely Pathogenic.

Literature cited by the submitters: PubMed 16199547; PubMed 8900236; PubMed 25404053.